The following is an entry in ClinVar:

ClinVar aggregate classification (germline): Likely pathogenic (1 of 4 stars; one submission).

Conditions:
Hereditary cancer-predisposing syndrome. Also called: Hereditary Cancer Syndrome; Neoplastic Syndromes, Hereditary; Hereditary neoplastic syndrome; Tumor predisposition. Identifiers: Orphanet 140162, MedGen C0027672, MeSH D009386, MONDO:0015356.

Submission:

Ambry Genetics
Classification: Likely pathogenic for Hereditary cancer-predisposing syndrome. Last evaluated: 2014-02-10. Review status: criteria provided, single submitter. Criteria: Ambry Autosomal Dominant and X-Linked criteria (10/2015). Collection method: clinical testing. Allele origin: germline. Observed: 1 variant allele.
Comment: The p.G281R variant (also known as c.841G>A), located in coding exon 5 of the MEN1 gene, results from a G to A substitution at nucleotide position 841. The glycine at codon 281 is replaced by arginine, an amino acid with dissimilar properties.This alteration has been reported in one individual with a clinical diagnosis of MEN1 (Crepin M et al. Electrophoresis. 2003 Jan;24(1-2):26-33).A similar alteration, c.841G>C, has been reported in one family with hyperparathyroidism, a pituitary adenoma, and CNS tumors (Wautot V et al. Hum Mutat. 2002 Jul;20(1):35-47).This variant was not reported in population based cohorts in the following databases: Database of Single Nucleotide Polymorphisms (dbSNP), NHLBI Exome Sequencing Project (ESP), and 1000 Genomes Project. To date, this alteration has been detected with an allele frequency of approximately 0.10% (greater than 1000 alleles tested) in our clinical cohort (includes this individual). This amino acid position is highly conserved in available vertebrate species. In addition, this alteration is predicted to be probably damaging and deleterious by PolyPhen and SIFT in silico analyses, respectively.Based on the majority of available evidence to date, this variant is likely to be pathogenic.

NM_001370259.2(MEN1):c.841G>A (p.Gly281Arg)

Gene: MEN1 (menin 1; minus strand). Cytogenetic location: 11q13.1.
Variant type: single nucleotide variant.
Coding change: c.841G>A on transcript NM_001370259.2 (MANE Select); coding-DNA position 841, G replaced by A.
Protein change: p.Gly281Arg; replaces glycine 281 with arginine.
Molecular consequence: missense variant.
Genome position (GRCh38, 1-based): chr11:64,807,082, C>T on the plus strand (G>A on the coding strand, the complement: MEN1 is on the minus strand). VCF-style: chr11-64807082-C-T. GRCh37 (hg19) VCF-style: chr11-64574554-C-T.
Other names: c.856G>A, p.Gly286Arg (NM_000244.4, NM_130800.3, NM_130801.3 and 3 more transcripts); c.841G>A, p.Gly281Arg (NM_001370251.2, NM_001370260.2, NM_001370261.2 and 1 more transcripts); c.736G>A, p.Gly246Arg (NM_001370262.2, NM_001370263.2); short protein forms G281R, G286R, G246R.
Identifiers: ClinVar variation 428031 (VCV000428031.4), dbSNP rs1114167493, ClinGen allele CA381183705.